The following is an entry in ClinVar:

ClinVar aggregate classification (germline): Uncertain significance. Review status: criteria provided, multiple submitters, no conflicts (2 of 4 stars). 2 submissions from 2 submitters: Uncertain significance (2). Last evaluated 2023-05-08.

Allele frequency attached by ClinVar (database versions not stated): gnomAD exomes below 0.00001.

Submissions (2):

GeneDx
Classification: Uncertain significance. Last evaluated: 2023-05-08. Review status: criteria provided, single submitter. Criteria: GeneDx Variant Classification Process June 2021. Collection method: clinical testing. Allele origin: germline. Affected: yes.
Comment: Not observed at significant frequency in large population cohorts (gnomAD); In silico analysis supports that this missense variant has a deleterious effect on protein structure/function; Has not been previously published as pathogenic or benign to our knowledge

Ambry Genetics
Classification: Uncertain significance. Last evaluated: 2021-08-12. Review status: criteria provided, single submitter. Criteria: Ambry Variant Classification Scheme 2023. Collection method: clinical testing. Allele origin: germline.

NM_021096.4(CACNA1I):c.4274T>C (p.Met1425Thr)

Gene: CACNA1I (calcium voltage-gated channel subunit alpha1 I; plus strand). Cytogenetic location: 22q13.1.
Variant type: single nucleotide variant.
Coding change: c.4274T>C on transcript NM_021096.4 (MANE Select); coding-DNA position 4274, T replaced by C.
Protein change: p.Met1425Thr; replaces methionine 1425 with threonine.
Molecular consequence: missense variant.
Genome position (GRCh38, 1-based): chr22:39,670,117, T>C. VCF-style: chr22-39670117-T-C. GRCh37 (hg19) VCF-style: chr22-40066122-T-C.
Other names: c.4169T>C, p.Met1390Thr (NM_001003406.2); short protein forms M1390T, M1425T.
Identifiers: ClinVar variation 2243148 (VCV002243148.3), dbSNP rs2518182058, ClinGen allele CA411664496.